The following is an entry in ClinVar:

ClinVar aggregate classification (germline): Pathogenic (1 of 4 stars; one submission).

Conditions:
Hereditary cancer-predisposing syndrome. Also called: Tumor predisposition; Neoplastic Syndromes, Hereditary; Hereditary neoplastic syndrome; Hereditary Cancer Syndrome. Identifiers: Orphanet 140162, MedGen C0027672, MeSH D009386, MONDO:0015356.

Submission:

Ambry Genetics
Classification: Pathogenic for Hereditary cancer-predisposing syndrome. Last evaluated: 2024-10-09. Review status: criteria provided, single submitter. Criteria: Ambry Variant Classification Scheme 2023. Collection method: clinical testing. Allele origin: germline.
Comment: The c.2142-1_2144dupGGTG pathogenic mutation, spans the intron/exon boundary of coding exon 8 in the AXIN2 gene and results from the duplication of four nucleotides at nucleotide positions c.2142-1 to c.2144, causing a translational frameshift with a predicted alternate stop codon (p.C715Vfs*50). These nucleotide positions are conserved in available vertebrate species. In silico splice site analysis predicts that this alteration will not have any significant effect on splicing. This variant is considered to be rare based on population cohorts in the Genome Aggregation Database (gnomAD). This alteration is expected to result in loss of function by premature protein truncation or nonsense-mediated mRNA decay. As such, this alteration is interpreted as a disease-causing mutation.

NM_004655.4(AXIN2):c.2142-1_2144dup

Gene: AXIN2 (axin 2; minus strand). Cytogenetic location: 17q24.1.
Variant type: Duplication.
Coding change: c.2142-1_2144dup on transcript NM_004655.4 (MANE Select); the canonical splice acceptor site of the intron before coding-DNA position 2142 through coding-DNA position 2144, 4 bases duplicated (GGTG; older notation c.2142-1_2144dupGGTG).
Molecular consequence: splice acceptor variant.
Genome position (GRCh38, 1-based): chr17:65,535,719-65,535,722, CACC duplicated on the plus strand (GGTG on the coding strand, the reverse complement: AXIN2 is on the minus strand). VCF-style (leftmost placement, unchanged base first): chr17-65535718-G-GCACC. GRCh37 (hg19) VCF-style: chr17-63531836-G-GCACC.
Other names: c.1947-1_1949dup (NM_001363813.1).
Identifiers: ClinVar variation 3470467 (VCV003470467.1).